The following is an entry in ClinVar:

ClinVar aggregate classification (germline): Uncertain significance (1 of 4 stars; one submission).

gnomAD v4.1: 4 of 1,614,174 alleles (0.00025%); highest among the groups gnomAD compares: Non-Finnish European, 0.00034%; no homozygotes.

Submission:

Ambry Genetics
Classification: Uncertain significance. Last evaluated: 2024-03-24. Review status: criteria provided, single submitter. Criteria: Ambry Variant Classification Scheme 2023. Collection method: clinical testing. Allele origin: germline.
Comment: The p.P335L variant (also known as c.1004C>T), located in coding exon 3 of the EGLN2 gene, results from a C to T substitution at nucleotide position 1004. The proline at codon 335 is replaced by leucine, an amino acid with similar properties. This amino acid position is conserved. In addition, this alteration is predicted to be tolerated by in silico analysis. Since supporting evidence is limited at this time, the clinical significance of this alteration remains unclear.

NM_080732.4(EGLN2):c.1004C>T (p.Pro335Leu)

Genes: EGLN2 (egl-9 family hypoxia inducible factor 2; plus strand), RAB4B-EGLN2 (RAB4B-EGLN2 readthrough (NMD candidate); plus strand). Cytogenetic location: 19q13.2.
Variant type: single nucleotide variant.
Coding change: c.1004C>T on transcript NM_080732.4 (MANE Select); coding-DNA position 1004, C replaced by T.
Protein change: p.Pro335Leu; replaces proline 335 with leucine.
Molecular consequence: missense variant. On other transcripts: non-coding transcript variant (1).
Genome position (GRCh38, 1-based): chr19:40,807,178, C>T. VCF-style: chr19-40807178-C-T. GRCh37 (hg19) VCF-style: chr19-41313083-C-T.
Other names: c.1004C>T, p.Pro335Leu (NM_053046.4); short protein forms P335L.
Identifiers: ClinVar variation 1778301 (VCV001778301.2), dbSNP rs2083310467, ClinGen allele CA405956470.